The following is an entry in ClinVar:

ClinVar aggregate classification (germline): Uncertain significance. Review status: criteria provided, single submitter (1 of 4 stars). 2 submissions from 2 submitters: Uncertain significance (1). 1 of the submissions does not count toward it. Last evaluated 2025-06-05.

Conditions:
SPECC1L-related disorder. Also called: SPECC1L-related condition.

gnomAD v4.1: 4 of 1,614,152 alleles (0.00025%); highest among the groups gnomAD compares: East Asian, 0.0022%; no homozygotes.

Submissions (2):

Labcorp Genetics (formerly Invitae), Labcorp
Classification: Uncertain significance. Last evaluated: 2025-06-05. Review status: criteria provided, single submitter. Criteria: Invitae Variant Classification Sherloc (09022015). Collection method: clinical testing. Allele origin: germline.
Comment: This sequence change replaces alanine, which is neutral and non-polar, with valine, which is neutral and non-polar, at codon 362 of the SPECC1L protein (p.Ala362Val). This variant is present in population databases (rs774478874, gnomAD 0.006%). This variant has not been reported in the literature in individuals affected with SPECC1L-related conditions. ClinVar contains an entry for this variant (Variation ID: 3346157). Invitae Evidence Modeling of protein sequence and biophysical properties (such as structural, functional, and spatial information, amino acid conservation, physicochemical variation, residue mobility, and thermodynamic stability) indicates that this missense variant is not expected to disrupt SPECC1L protein function with a negative predictive value of 80%. In summary, the available evidence is currently insufficient to determine the role of this variant in disease. Therefore, it has been classified as a Variant of Uncertain Significance.

PreventionGenetics, part of Exact Sciences
Classification: Uncertain significance for SPECC1L-related condition. Last evaluated: 2024-06-02. Review status: no assertion criteria provided. Collection method: clinical testing. Allele origin: germline. Not counted in ClinVar's aggregate classification.
Comment: The SPECC1L c.1085C>T variant is predicted to result in the amino acid substitution p.Ala362Val. To our knowledge, this variant has not been reported in the literature. This variant is reported in 0.0054% of alleles in individuals of East Asian descent in gnomAD. At this time, the clinical significance of this variant is uncertain due to the absence of conclusive functional and genetic evidence.

NM_015330.6(SPECC1L):c.1085C>T (p.Ala362Val)

Genes: SPECC1L (sperm antigen with calponin homology and coiled-coil domains 1 like; plus strand), SPECC1L-ADORA2A (SPECC1L-ADORA2A readthrough (NMD candidate); plus strand). Cytogenetic location: 22q11.23.
Variant type: single nucleotide variant.
Coding change: c.1085C>T on transcript NM_015330.6 (MANE Select); coding-DNA position 1085, C replaced by T.
Protein change: p.Ala362Val; replaces alanine 362 with valine.
Molecular consequence: missense variant. On other transcripts: non-coding transcript variant (1).
Genome position (GRCh38, 1-based): chr22:24,322,065, C>T. VCF-style: chr22-24322065-C-T. GRCh37 (hg19) VCF-style: chr22-24718033-C-T.
Other names: c.1085C>T, p.Ala362Val (NM_001145468.4, NM_001254732.3); short protein forms A362V.
Identifiers: ClinVar variation 3346157 (VCV003346157.2).